The following is an entry in ClinVar:

ClinVar aggregate classification (germline): Uncertain significance (1 of 4 stars; one submission).

Conditions:
Fanconi anemia (FA). Also called: Fanconi's anemia. Identifiers: Orphanet 84, MedGen C0015625, MeSH D005199, MONDO:0019391.

Submission:

Labcorp Genetics (formerly Invitae), Labcorp
Classification: Uncertain significance for Fanconi anemia. Last evaluated: 2022-06-25. Review status: criteria provided, single submitter. Criteria: Invitae Variant Classification Sherloc (09022015). Collection method: clinical testing. Allele origin: germline.
Comment: This sequence change replaces alanine, which is neutral and non-polar, with serine, which is neutral and polar, at codon 507 of the FANCG protein (p.Ala507Ser). This variant is not present in population databases (gnomAD no frequency). This variant has not been reported in the literature in individuals affected with FANCG-related conditions. Algorithms developed to predict the effect of missense changes on protein structure and function (SIFT, PolyPhen-2, Align-GVGD) all suggest that this variant is likely to be tolerated. In summary, the available evidence is currently insufficient to determine the role of this variant in disease. Therefore, it has been classified as a Variant of Uncertain Significance.

NM_004629.2(FANCG):c.1519G>T (p.Ala507Ser)

Gene: FANCG (FA complementation group G; minus strand). Cytogenetic location: 9p13.3.
Variant type: single nucleotide variant.
Coding change: c.1519G>T on transcript NM_004629.2 (MANE Select); coding-DNA position 1519, G replaced by T.
Protein change: p.Ala507Ser; replaces alanine 507 with serine.
Molecular consequence: missense variant.
Genome position (GRCh38, 1-based): chr9:35,075,044, C>A on the plus strand (G>T on the coding strand, the complement: FANCG is on the minus strand). VCF-style: chr9-35075044-C-A. GRCh37 (hg19) VCF-style: chr9-35075041-C-A.
Other names: short protein forms A507S.
Identifiers: ClinVar variation 2155637 (VCV002155637.4), dbSNP rs373151602, ClinGen allele CA373304732.